The following is an entry in ClinVar:

NM_002294.3(LAMP2):c.928+245A>G

Gene: LAMP2 (lysosomal associated membrane protein 2; minus strand). Cytogenetic location: Xq24.
Variant type: single nucleotide variant.
Coding change: c.928+245A>G on transcript NM_002294.3 (MANE Select); 245 bases into the intron after coding-DNA position 928, A replaced by G.
Molecular consequence: intron variant.
Genome position (GRCh38, 1-based): chrX:120,442,354, T>C on the plus strand (A>G on the coding strand, the complement: LAMP2 is on the minus strand). VCF-style: chrX-120442354-T-C. GRCh37 (hg19) VCF-style: chrX-119576209-T-C.
Other names: c.928+245A>G (NM_001122606.1, NM_013995.2).
Identifiers: ClinVar variation 672625 (VCV000672625.1), dbSNP rs73639314, ClinGen allele CA335013139.

ClinVar aggregate classification (germline): Benign (1 of 4 stars; one submission).

Allele frequency attached by ClinVar (database versions not stated): gnomAD 0.07230 and 0.07730; 1000 Genomes Project 0.07576; TOPMed 0.07949; 1000 Genomes Project 30x 0.08075.
gnomAD v4.1: 7,948 of 110,911 alleles (7.2%); highest among the groups gnomAD compares: African/African-American, 24%; 711 homozygotes.

Submission:

GeneDx
Classification: Benign. Last evaluated: 2018-06-14. Review status: criteria provided, single submitter. Criteria: GeneDx Variant Classification (06012015). Collection method: clinical testing. Allele origin: germline. Affected: yes.
Comment: This variant is considered likely benign or benign based on one or more of the following criteria: it is a conservative change, it occurs at a poorly conserved position in the protein, it is predicted to be benign by multiple in silico algorithms, and/or has population frequency not consistent with disease.